The following is an entry in ClinVar:

ClinVar aggregate classification (germline): Uncertain significance. Review status: criteria provided, multiple submitters, no conflicts (2 of 4 stars). 2 submissions from 2 submitters: Uncertain significance (2). Last evaluated 2026-03-03.

Conditions:
Charcot-Marie-Tooth disease type 4. Also called: Charcot-Marie-Tooth disease, type IV; Charcot-Marie-Tooth, Type 4. Identifiers: Orphanet 64749, MedGen C4082197, MONDO:0018995.
PRX-related disorder. Also called: PRX-related condition; PRX-Related Disorders.

Allele frequency attached by ClinVar (database versions not stated): ExAC 0.00001; gnomAD exomes 0.00001 and 0.00002; TOPMed 0.00001.

Submissions (2):

PreventionGenetics, part of Exact Sciences
Classification: Uncertain significance for PRX-related condition. Last evaluated: 2026-03-03. Review status: criteria provided, single submitter. Criteria: ACMG Guidelines, 2015. Collection method: clinical testing. Allele origin: germline.
Comment: The PRX c.4103C>T variant is predicted to result in the amino acid substitution p.Ser1368Leu. To our knowledge, this variant has not been reported in the literature. This variant is reported in 0.0018% of alleles in individuals of European (non-Finnish) descent in gnomAD. At this time, the clinical significance of this variant is uncertain due to the absence of conclusive functional and genetic evidence.

Labcorp Genetics (formerly Invitae), Labcorp
Classification: Uncertain significance for Charcot-Marie-Tooth disease type 4. Last evaluated: 2022-05-07. Review status: criteria provided, single submitter. Criteria: Invitae Variant Classification Sherloc (09022015). Collection method: clinical testing. Allele origin: germline.
Comment: In summary, the available evidence is currently insufficient to determine the role of this variant in disease. Therefore, it has been classified as a Variant of Uncertain Significance. Algorithms developed to predict the effect of missense changes on protein structure and function output the following: SIFT: "Tolerated"; PolyPhen-2: "Benign"; Align-GVGD: "Class C0". The leucine amino acid residue is found in multiple mammalian species, which suggests that this missense change does not adversely affect protein function. ClinVar contains an entry for this variant (Variation ID: 857941). This variant has not been reported in the literature in individuals affected with PRX-related conditions. This variant is present in population databases (rs768636520, gnomAD 0.002%). This sequence change replaces serine, which is neutral and polar, with leucine, which is neutral and non-polar, at codon 1368 of the PRX protein (p.Ser1368Leu).

NM_181882.3(PRX):c.4103C>T (p.Ser1368Leu)

Gene: PRX (periaxin; minus strand). Cytogenetic location: 19q13.2.
Variant type: single nucleotide variant.
Coding change: c.4103C>T on transcript NM_181882.3 (MANE Select); coding-DNA position 4103, C replaced by T.
Protein change: p.Ser1368Leu; replaces serine 1368 with leucine.
Molecular consequence: missense variant. On other transcripts: 3 prime UTR variant (1).
Genome position (GRCh38, 1-based): chr19:40,394,249, G>A on the plus strand (C>T on the coding strand, the complement: PRX is on the minus strand). VCF-style: chr19-40394249-G-A. GRCh37 (hg19) VCF-style: chr19-40900156-G-A.
Other names: c.*4308C>T (NM_020956.2); short protein forms S1368L.
Identifiers: ClinVar variation 857941 (VCV000857941.8), dbSNP rs768636520, ClinGen allele CA9443703.